The following is an entry in ClinVar:

NM_001161352.2(KCNMA1):c.278C>T (p.Ser93Phe)

Gene: KCNMA1 (potassium calcium-activated channel subfamily M alpha 1; minus strand). Cytogenetic location: 10q22.3.
Variant type: single nucleotide variant.
Coding change: c.278C>T on transcript NM_001161352.2 (MANE Select); coding-DNA position 278, C replaced by T.
Protein change: p.Ser93Phe; replaces serine 93 with phenylalanine.
Molecular consequence: missense variant.
Genome position (GRCh38, 1-based): chr10:77,637,365, G>A on the plus strand (C>T on the coding strand, the complement: KCNMA1 is on the minus strand). VCF-style: chr10-77637365-G-A. GRCh37 (hg19) VCF-style: chr10-79397123-G-A.
Other names: c.278C>T, p.Ser93Phe (NM_001014797.3, NM_001161353.2, NM_001271518.2 and 13 more transcripts); c.278C>T (NM_002247.3); short protein forms S93F.
Identifiers: ClinVar variation 2769256 (VCV002769256.4), dbSNP rs2552275315, ClinGen allele CA377412386.

ClinVar aggregate classification (germline): Uncertain significance. Review status: criteria provided, multiple submitters, no conflicts (2 of 4 stars). 2 submissions from 2 submitters: Uncertain significance (2). Last evaluated 2024-09-13.

Conditions:
Generalized epilepsy-paroxysmal dyskinesia syndrome (PNKD3). Also called: Generalized epilepsy and paroxysmal dyskinesia; Paroxysmal nonkinesigenic dyskinesia, 3, with or without generalized epilepsy. Identifiers: Orphanet 79137, MedGen C5574945, MONDO:0012276, OMIM 609446.

Submissions (2):

GeneDx
Classification: Uncertain significance. Last evaluated: 2024-09-13. Review status: criteria provided, single submitter. Criteria: GeneDx Variant Classification Process June 2021. Collection method: clinical testing. Allele origin: germline. Affected: yes.
Comment: Not observed at significant frequency in large population cohorts (gnomAD); In silico analysis supports that this missense variant has a deleterious effect on protein structure/function; Has not been previously published as pathogenic or benign to our knowledge

Labcorp Genetics (formerly Invitae), Labcorp
Classification: Uncertain significance for Generalized epilepsy-paroxysmal dyskinesia syndrome. Last evaluated: 2024-01-15. Review status: criteria provided, single submitter. Criteria: Invitae Variant Classification Sherloc (09022015). Collection method: clinical testing. Allele origin: germline.
Comment: This sequence change replaces serine, which is neutral and polar, with phenylalanine, which is neutral and non-polar, at codon 93 of the KCNMA1 protein (p.Ser93Phe). This variant is not present in population databases (gnomAD no frequency). This variant has not been reported in the literature in individuals affected with KCNMA1-related conditions. An algorithm developed to predict the effect of missense changes on protein structure and function (PolyPhen-2) suggests that this variant is likely to be disruptive. In summary, the available evidence is currently insufficient to determine the role of this variant in disease. Therefore, it has been classified as a Variant of Uncertain Significance.